The following is an entry in ClinVar:

NM_001394062.1(MACF1):c.3152T>C (p.Ile1051Thr)

Gene: MACF1 (microtubule actin crosslinking factor 1; plus strand). Cytogenetic location: 1p34.3.
Variant type: single nucleotide variant.
Coding change: c.3152T>C on transcript NM_001394062.1 (MANE Select); coding-DNA position 3152, T replaced by C.
Protein change: p.Ile1051Thr; replaces isoleucine 1051 with threonine.
Molecular consequence: missense variant.
Genome position (GRCh38, 1-based): chr1:39,310,882, T>C. VCF-style: chr1-39310882-T-C. GRCh37 (hg19) VCF-style: chr1-39776554-T-C.
Other names: c.3167T>C, p.Ile1056Thr (NM_012090.5); short protein forms I1051T, I1056T.
Identifiers: ClinVar variation 4804759 (VCV004804759.1).

ClinVar aggregate classification (germline): Uncertain significance (1 of 4 stars; one submission).

gnomAD v4.1: 43 of 1,614,120 alleles (0.0027%); highest among the groups gnomAD compares: Admixed American, 0.055%; no homozygotes.

Submission:

Labcorp Genetics (formerly Invitae), Labcorp
Classification: Uncertain significance. Last evaluated: 2025-03-08. Review status: criteria provided, single submitter. Criteria: Invitae Variant Classification Sherloc (09022015). Collection method: clinical testing. Allele origin: germline.
Comment: This sequence change replaces isoleucine, which is neutral and non-polar, with threonine, which is neutral and polar, at codon 1056 of the MACF1 protein (p.Ile1056Thr). This variant is present in population databases (rs183919369, gnomAD 0.006%). This variant has not been reported in the literature in individuals affected with MACF1-related conditions. An algorithm developed to predict the effect of missense changes on protein structure and function (PolyPhen-2) suggests that this variant is likely to be disruptive. In summary, the available evidence is currently insufficient to determine the role of this variant in disease. Therefore, it has been classified as a Variant of Uncertain Significance.